The following is an entry in ClinVar:

NM_002340.6(LSS):c.1565-2del

Gene: LSS (lanosterol synthase; minus strand). Cytogenetic location: 21q22.3.
Variant type: Deletion.
Coding change: c.1565-2del on transcript NM_002340.6 (MANE Select); the canonical splice acceptor site of the intron before coding-DNA position 1565, one base deleted (A; older notation c.1565-2delA).
Molecular consequence: splice acceptor variant.
Genome position (GRCh38, 1-based): chr21:46,205,943, T deleted on the plus strand (A on the coding strand, the reverse complement: LSS is on the minus strand). VCF-style (leftmost placement, unchanged base first): chr21-46205942-CT-C. GRCh37 (hg19) VCF-style: chr21-47625856-CT-C.
Other names: c.1532-2del (NM_001145436.2); c.1565-2del (NM_001001438.3); c.1325-2del (NM_001145437.2).
Identifiers: ClinVar variation 3121356 (VCV003121356.1), dbSNP rs2517204124, ClinGen allele CA2825002858.
Genomic context (GRCh38, chr21:46,205,942, plus strand): 5'-TAAGCGCCTGCATCACGGCTGAGGTGCACTCCACATAGGTGTAGTCAATCATGATGTCCC[CT>C]GGGAAAGGGAGGGAAGAACCAAGTGTTGGGTTTCACCCTGGCTGCCCAGGCTCTGCAGCT-3'

ClinVar aggregate classification (germline): Likely pathogenic (1 of 4 stars; one submission).

Conditions:
Inborn genetic diseases. Identifiers: MedGen C0950123, MeSH D030342.

Submission:

Ambry Genetics
Classification: Likely pathogenic for Inborn genetic diseases. Last evaluated: 2024-01-12. Review status: criteria provided, single submitter. Criteria: Ambry Variant Classification Scheme 2023. Collection method: clinical testing. Allele origin: germline.
Comment: The c.1565-2delA intronic variant results from a deletion of one nucleotide two nucleotides before coding exon 17 of the LSS gene. Alterations that disrupt the canonical splice site are expected to cause aberrant splicing, resulting in an abnormal protein or a transcript that is subject to nonsense-mediated mRNA decay. This variant was not reported in population-based cohorts in the Genome Aggregation Database (gnomAD). This nucleotide position is highly conserved in available vertebrate species. In silico splice site analysis predicts that this alteration will weaken the native splice acceptor site. Based on the available evidence, this alteration is classified as likely pathogenic.